The following is an entry in ClinVar:

ClinVar aggregate classification (germline): Conflicting classifications of pathogenicity. Review status: criteria provided, conflicting classifications (1 of 4 stars). 4 submissions from 4 submitters: Uncertain significance (1); Likely benign (3). Last evaluated 2024-11-19.

Conditions:
Cataract 41 (CTRCT41). Also called: CATARACT 41, CONGENITAL NUCLEAR TYPE. Identifiers: Orphanet 91492, Orphanet 98991, Orphanet 98992, Orphanet 98995, MedGen C3805412, MONDO:0007287, OMIM 116400.
Wolfram syndrome 1 (WFS1). Identifiers: Orphanet 3463, MedGen C4551693, MONDO:0009101, OMIM 222300.
Autosomal dominant nonsyndromic hearing loss 6 (LFSNHL). Also called: DEAFNESS, AUTOSOMAL DOMINANT 14; DEAFNESS, AUTOSOMAL DOMINANT 38; Autosomal dominant nonsyndromic deafness 6; DEAFNESS, AUTOSOMAL DOMINANT 6. Identifiers: Orphanet 90635, MedGen C1833021, MONDO:0010963, OMIM 600965.
Type 2 diabetes mellitus. Also called: Type II diabetes mellitus. Identifiers: MedGen C0011860, MeSH D003924, MONDO:0005148, OMIM 125853, HP:0005978.
Wolfram-like syndrome. Also called: HEARING LOSS, PROGRESSIVE, WITH OPTIC ATROPHY AND/OR IMPAIRED GLUCOSE REGULATION. Identifiers: Orphanet 411590, MedGen C3280358, MONDO:0013673, OMIM 614296.

Allele frequency attached by ClinVar (database versions not stated): gnomAD exomes below 0.00001; gnomAD 0.00004 and 0.00005; TOPMed 0.00010.
gnomAD v4.1: 16 of 1,578,822 alleles (0.001%); highest among the groups gnomAD compares: Admixed American, 0.011%; no homozygotes.

Submissions (4):

Labcorp Genetics (formerly Invitae), Labcorp
Classification: Likely benign. Last evaluated: 2024-11-19. Review status: criteria provided, single submitter. Criteria: Invitae Variant Classification Sherloc (09022015). Collection method: clinical testing. Allele origin: germline.

GeneDx
Classification: Uncertain significance. Last evaluated: 2024-08-19. Review status: criteria provided, single submitter. Criteria: GeneDx Variant Classification Process June 2021. Collection method: clinical testing. Allele origin: germline. Affected: yes.
Comment: In silico analysis indicates that this variant does not alter splicing; Has not been previously published as pathogenic or benign to our knowledge

Blueprint Genetics
Classification: Likely benign. Last evaluated: 2024-02-19. Review status: criteria provided, single submitter. Criteria: ACMG Guidelines, 2015. Collection method: clinical testing. Allele origin: germline.

Fulgent Genetics
Classification: Likely benign for Cataract 41; Type 2 diabetes mellitus; Wolfram syndrome 1; Autosomal dominant nonsyndromic hearing loss 6; Wolfram-like syndrome. Last evaluated: 2022-03-10. Review status: criteria provided, single submitter. Criteria: ACMG Guidelines, 2015. Collection method: clinical testing. Allele origin: unknown.

NM_006005.3(WFS1):c.444C>T (p.Cys148=)

Gene: WFS1 (wolframin ER transmembrane glycoprotein; plus strand). Cytogenetic location: 4p16.1.
Variant type: single nucleotide variant.
Coding change: c.444C>T on transcript NM_006005.3 (MANE Select); coding-DNA position 444, C replaced by T.
Protein change: p.Cys148=; no amino-acid change (cysteine 148 retained).
Molecular consequence: synonymous variant.
Genome position (GRCh38, 1-based): chr4:6,289,115, C>T. VCF-style: chr4-6289115-C-T. GRCh37 (hg19) VCF-style: chr4-6290842-C-T.
Other names: c.444C>T, p.Cys148= (NM_001145853.1).
Identifiers: ClinVar variation 1659723 (VCV001659723.11), dbSNP rs998539254, ClinGen allele CA91794319.